The following is an entry in ClinVar:

ClinVar aggregate classification (germline): Uncertain significance (1 of 4 stars; one submission).

gnomAD v4.1: 2 of 1,604,316 alleles (0.00012%); highest among the groups gnomAD compares: Non-Finnish European, 0.00017%; no homozygotes.

Submission:

Labcorp Genetics (formerly Invitae), Labcorp
Classification: Uncertain significance. Last evaluated: 2023-12-30. Review status: criteria provided, single submitter. Criteria: Invitae Variant Classification Sherloc (09022015). Collection method: clinical testing. Allele origin: germline.
Comment: This sequence change replaces glycine, which is neutral and non-polar, with aspartic acid, which is acidic and polar, at codon 828 of the JAK2 protein (p.Gly828Asp). This variant is present in population databases (no rsID available, gnomAD 0.0009%). This variant has not been reported in the literature in individuals affected with JAK2-related conditions. Advanced modeling of protein sequence and biophysical properties (such as structural, functional, and spatial information, amino acid conservation, physicochemical variation, residue mobility, and thermodynamic stability) performed at Invitae indicates that this missense variant is not expected to disrupt JAK2 protein function with a negative predictive value of 95%. In summary, the available evidence is currently insufficient to determine the role of this variant in disease. Therefore, it has been classified as a Variant of Uncertain Significance.

NM_004972.4(JAK2):c.2483G>A (p.Gly828Asp)

Genes: INSL6 (insulin like 6; minus strand), JAK2 (Janus kinase 2; plus strand). Cytogenetic location: 9p24.1.
Variant type: single nucleotide variant.
Coding change: c.2483G>A on transcript NM_004972.4 (MANE Select); coding-DNA position 2483, G replaced by A.
Protein change: p.Gly828Asp; replaces glycine 828 with aspartic acid.
Molecular consequence: missense variant. On other transcripts: non-coding transcript variant (2).
Genome position (GRCh38, 1-based): chr9:5,081,773, G>A. VCF-style: chr9-5081773-G-A. GRCh37 (hg19) VCF-style: chr9-5081773-G-A.
Other names: c.2483G>A, p.Gly828Asp (NM_001322194.2, NM_001322195.2, NM_001322196.2); c.1268G>A, p.Gly423Asp (NM_001322198.2, NM_001322199.2); c.2036G>A, p.Gly679Asp (NM_001322204.2); short protein forms G679D, G423D, G828D.
Identifiers: ClinVar variation 2848598 (VCV002848598.3), dbSNP rs1233946002, ClinGen allele CA372828608.
Genomic context (GRCh38, chr9:5,081,773, plus strand): 5'-TTATTTCTCCAGATTATGAACTATTAACAGAAAATGACATGTTACCAAATATGAGGATAG[G>A]TGCCCTGGGGTTTTCTGGTGCCTTTGAAGACCGGGATCCTACACAGTTTGAAGAGAGACA-3'
Protein context (NP_004963.1, residues 818-838): ENDMLPNMRI[Gly828Asp]ALGFSGAFED